The following is an entry in ClinVar:

ClinVar aggregate classification (germline): Uncertain significance. Review status: criteria provided, multiple submitters, no conflicts (2 of 4 stars). 3 submissions from 3 submitters: Uncertain significance (2). 1 of the submissions does not count toward it. Last evaluated 2025-02-02.

Conditions:
Epidermolysis bullosa dystrophica inversa, autosomal recessive. Identifiers: MedGen C2673612.
Transient bullous dermolysis of the newborn (TBDN). Also called: EPIDERMOLYSIS BULLOSA DYSTROPHICA, NEONATAL FORM; DYSTROPHIC EPIDERMOLYSIS BULLOSA, NEONATAL. Identifiers: Orphanet 79411, MedGen C1851573, MONDO:0007548, OMIM 131705.
Recessive dystrophic epidermolysis bullosa (RDEB). Also called: epidermolysis bullosa dystrophica, autosomal recessive; DYSTROPHIC EPIDERMOLYSIS BULLOSA, AUTOSOMAL RECESSIVE; EPIDERMOLYSIS BULLOSA DYSTROPHICA, HALLOPEAU-SIEMENS TYPE; severe generalized recessive dystrophic epidermolysis bullosa; EPIDERMOLYSIS BULLOSA DYSTROPHICA, GENERALIZED SEVERE, AUTOSOMAL RECESSIVE; Hallopeau-Siemens Disease. Identifiers: Orphanet 79408, Orphanet 79409, MedGen C0079474, MONDO:0009179, OMIM 226600.
Epidermolysis bullosa pruriginosa. Also called: DEB, PRURIGINOSA; DYSTROPHIC EPIDERMOLYSIS BULLOSA PRURIGINOSA. Identifiers: Orphanet 89843, MedGen C1275114, MONDO:0011398, OMIM 604129.
Pretibial dystrophic epidermolysis bullosa. Also called: EPIDERMOLYSIS BULLOSA DYSTROPHICA, PRETIBIAL; Pretibial blistering; Pretibial epidermolysis bullosa. Identifiers: Orphanet 79410, MedGen C0432321, MONDO:0007552, OMIM 131850, HP:0012221.
Dominant dystrophic epidermolysis bullosa with absence of skin. Also called: EPIDERMOLYSIS BULLOSA WITH CONGENITAL LOCALIZED ABSENCE OF SKIN AND DEFORMITY OF NAILS; EPIDERMOLYSIS BULLOSA DYSTROPHICA, BART TYPE. Identifiers: MedGen C0268371, MONDO:0007557, OMIM 132000.
Generalized dominant dystrophic epidermolysis bullosa (DDEB). Also called: DDEB, generalized; DDEB-gen; DYSTROPHIC EPIDERMOLYSIS BULLOSA, AUTOSOMAL DOMINANT; Epidermolysis bullosa dystrophica, autosomal dominant; Dominant DEB (DDEB). Identifiers: Orphanet 231568, MedGen C0432322, MONDO:0007549, OMIM 131750.
Nonsyndromic congenital nail disorder 8. Also called: TOENAIL DYSTROPHY, ISOLATED. Identifiers: MedGen C1843761, MONDO:0011852, OMIM 607523.

Allele frequency attached by ClinVar (database versions not stated): TOPMed 0.00002; gnomAD exomes 0.00003; ExAC 0.00004; gnomAD 0.00006; 1000 Genomes Project 30x 0.00016; 1000 Genomes Project 0.00020.
gnomAD v4.1: 72 of 1,612,460 alleles (0.0045%); highest among the groups gnomAD compares: Non-Finnish European, 0.0058%; no homozygotes.

Submissions (3):

Labcorp Genetics (formerly Invitae), Labcorp
Classification: Uncertain significance. Last evaluated: 2025-02-02. Review status: criteria provided, single submitter. Criteria: Invitae Variant Classification Sherloc (09022015). Collection method: clinical testing. Allele origin: germline.
Comment: This sequence change replaces aspartic acid, which is acidic and polar, with glutamic acid, which is acidic and polar, at codon 2007 of the COL7A1 protein (p.Asp2007Glu). This variant is present in population databases (rs199603961, gnomAD 0.007%). This variant has not been reported in the literature in individuals affected with COL7A1-related conditions. ClinVar contains an entry for this variant (Variation ID: 991493). Invitae Evidence Modeling of protein sequence and biophysical properties (such as structural, functional, and spatial information, amino acid conservation, physicochemical variation, residue mobility, and thermodynamic stability) indicates that this missense variant is not expected to disrupt COL7A1 protein function with a negative predictive value of 95%. In summary, the available evidence is currently insufficient to determine the role of this variant in disease. Therefore, it has been classified as a Variant of Uncertain Significance.

Fulgent Genetics
Classification: Uncertain significance for Transient bullous dermolysis of the newborn; Generalized dominant dystrophic epidermolysis bullosa; Pretibial dystrophic epidermolysis bullosa; Dominant dystrophic epidermolysis bullosa with absence of skin; Recessive dystrophic epidermolysis bullosa; Epidermolysis bullosa pruriginosa; Nonsyndromic congenital nail disorder 8. Last evaluated: 2022-01-04. Review status: criteria provided, single submitter. Criteria: ACMG Guidelines, 2015. Collection method: clinical testing. Allele origin: unknown.

Natera, Inc.
Classification: Uncertain significance for Autosomal recessive epidermolysis bullosa dystrophica inversa. Last evaluated: 2020-10-30. Review status: no assertion criteria provided. Collection method: clinical testing. Allele origin: germline. Not counted in ClinVar's aggregate classification.

NM_000094.4(COL7A1):c.6021C>A (p.Asp2007Glu)

Gene: COL7A1 (collagen type VII alpha 1 chain; minus strand). Cytogenetic location: 3p21.31.
Variant type: single nucleotide variant.
Coding change: c.6021C>A on transcript NM_000094.4 (MANE Select); coding-DNA position 6021, C replaced by A.
Protein change: p.Asp2007Glu; replaces aspartic acid 2007 with glutamic acid.
Molecular consequence: missense variant.
Genome position (GRCh38, 1-based): chr3:48,575,498, G>T on the plus strand (C>A on the coding strand, the complement: COL7A1 is on the minus strand). VCF-style: chr3-48575498-G-T. GRCh37 (hg19) VCF-style: chr3-48612931-G-T.
Other names: short protein forms D2007E.
Identifiers: ClinVar variation 991493 (VCV000991493.6), dbSNP rs199603961, ClinGen allele CA2379210.
Genomic context (GRCh38, chr3:48,575,498, plus strand): 5'-GGGGGGGCCCCTCTCCCCAAGGGCCAGACCAGGTGGCCCCTGAGGGCCAGGGTCTCCACG[G>T]TCGCCCTTCAGCCCGCGTTCTCCAGGAAAGCCGATGGGGCCCTGCAGGAGTGGAAGAGAG-3'
Protein context (NP_000085.1, residues 1997-2017): GFPGERGLKG[Asp2007Glu]RGDPGPQGPP